The following is an entry in ClinVar:

ClinVar aggregate classification (germline): Pathogenic (1 of 4 stars; one submission).

Conditions:
Coffin-Siris syndrome 1 (CSS1). Also called: Mental retardation, autosomal dominant 12; ARID1B-Related Coffin-Siris Syndrome. Identifiers: Orphanet 1465, MedGen C3281201, MONDO:0007617, OMIM 135900. Disease mechanism: gain of function.

Submission:

Broad Center for Mendelian Genomics, Broad Institute of MIT and Harvard
Classification: Pathogenic for Coffin-Siris syndrome 1. Last evaluated: 2023-08-24. Review status: criteria provided, single submitter. Criteria: ACMG/ClinGen CNV Guidelines, 2019. Collection method: research. Allele origin: de novo. Inheritance: Autosomal dominant inheritance. Affected: yes.
Comment: These breakpoints have been estimated by exome sequencing only and therefore may not reflect the true breakpoints. The patient phenotype is nonspecific, but is consistent with cases described in the literature and/or published databases with overlapping variants. There is complete overlap with the ARID1B gene which is known to be haploinsufficient and has been assessed by the ClinGen Dosage Sensitivity Working Group. In summary, the 6q25.1-q25.3 deletion meets criteria to be classified as pathogenic. The ACMG/ClinGen evidence codes and points used in this curation are as follows: 1: 0 points, 2: 1.00 points, 3: 0.45 points, 4-5: 0.15 points; Total: 1.6 points; Riggs 2020 (PMID: 31690835)

GRCh38/hg38 6q25.1-25.3(chr6:150905553-158511926)x1

Genes: MIR1202 (microRNA 1202; plus strand), MIR12131 (microRNA 12131; plus strand), MIR1273C (microRNA 1273c; plus strand), MIR3692 (microRNA 3692; plus strand), MIR4466 (microRNA 4466; minus strand) and 208 more. Cytogenetic location: 6q25.1-25.3.
Variant type: copy number loss.
Change: copy number 1 (one copy instead of two) of chr6:150,905,553-158,511,926 (7.61 Mb, GRCh38 coordinates, 1-based), cytogenetic band 6q25.1-25.3.
Identifiers: ClinVar variation 2579284 (VCV002579284.1).